The following is an entry in ClinVar:

ClinVar aggregate classification (germline): Uncertain significance (0 of 4 stars; one submission).

Conditions:
AFF4-related disorder. Also called: AFF4-related condition.

gnomAD v4.1: 48 of 1,614,040 alleles (0.003%); highest among the groups gnomAD compares: Non-Finnish European, 0.0039%; no homozygotes.

Submission:

PreventionGenetics, part of Exact Sciences
Classification: Uncertain significance for AFF4-related condition. Last evaluated: 2024-08-29. Review status: no assertion criteria provided. Collection method: clinical testing. Allele origin: germline.
Comment: The AFF4 c.2618G>A variant is predicted to result in the amino acid substitution p.Ser873Asn. To our knowledge, this variant has not been reported in the literature. This variant is reported in 0.0018% of alleles in individuals of European (Non-Finnish) descent in gnomAD. At this time, the clinical significance of this variant is uncertain due to the absence of conclusive functional and genetic evidence.

NM_014423.4(AFF4):c.2618G>A (p.Ser873Asn)

Gene: AFF4 (ALF transcription elongation factor 4; minus strand). Cytogenetic location: 5q31.1.
Variant type: single nucleotide variant.
Coding change: c.2618G>A on transcript NM_014423.4 (MANE Select); coding-DNA position 2618, G replaced by A.
Protein change: p.Ser873Asn; replaces serine 873 with asparagine.
Molecular consequence: missense variant.
Genome position (GRCh38, 1-based): chr5:132,892,183, C>T on the plus strand (G>A on the coding strand, the complement: AFF4 is on the minus strand). VCF-style: chr5-132892183-C-T. GRCh37 (hg19) VCF-style: chr5-132227875-C-T.
Other names: short protein forms S873N.
Identifiers: ClinVar variation 3355306 (VCV003355306.1).